The following is an entry in ClinVar:

ClinVar aggregate classification (germline): Uncertain significance (1 of 4 stars; one submission).

Conditions:
Marinesco-Sjögren syndrome (MSS). Also called: Marinesco-Sjogren Syndrome; Marinesco-SjÃ¶gren syndrome. Identifiers: Orphanet 559, MedGen C0024814, MONDO:0009567, OMIM 248800.

gnomAD v4.1: 22 of 1,614,018 alleles (0.0014%); highest among the groups gnomAD compares: Admixed American, 0.0067%; no homozygotes.

Submission:

Labcorp Genetics (formerly Invitae), Labcorp
Classification: Uncertain significance for Marinesco-Sjögren syndrome. Last evaluated: 2022-08-08. Review status: criteria provided, single submitter. Criteria: Invitae Variant Classification Sherloc (09022015). Collection method: clinical testing. Allele origin: germline.
Comment: This sequence change replaces asparagine, which is neutral and polar, with serine, which is neutral and polar, at codon 233 of the SIL1 protein (p.Asn233Ser). This variant is present in population databases (no rsID available, gnomAD 0.01%). This variant has not been reported in the literature in individuals affected with SIL1-related conditions. Algorithms developed to predict the effect of missense changes on protein structure and function are either unavailable or do not agree on the potential impact of this missense change (SIFT: "Tolerated"; PolyPhen-2: "Possibly Damaging"; Align-GVGD: "Class C0"). In summary, the available evidence is currently insufficient to determine the role of this variant in disease. Therefore, it has been classified as a Variant of Uncertain Significance.

NM_022464.5(SIL1):c.698A>G (p.Asn233Ser)

Gene: SIL1 (SIL1 nucleotide exchange factor; minus strand). Cytogenetic location: 5q31.2.
Variant type: single nucleotide variant.
Coding change: c.698A>G on transcript NM_022464.5 (MANE Select); coding-DNA position 698, A replaced by G.
Protein change: p.Asn233Ser; replaces asparagine 233 with serine.
Molecular consequence: missense variant.
Genome position (GRCh38, 1-based): chr5:139,021,240, T>C on the plus strand (A>G on the coding strand, the complement: SIL1 is on the minus strand). VCF-style: chr5-139021240-T-C. GRCh37 (hg19) VCF-style: chr5-138356929-T-C.
Other names: c.698A>G, p.Asn233Ser (NM_001037633.2); short protein forms N233S.
Identifiers: ClinVar variation 2148658 (VCV002148658.1), dbSNP rs979530005, ClinGen allele CA128237568.